The following is an entry in ClinVar:

NM_003797.5(EED):c.930T>C (p.Asp310=)

Gene: EED (embryonic ectoderm development; plus strand). Cytogenetic location: 11q14.2.
Variant type: single nucleotide variant.
Coding change: c.930T>C on transcript NM_003797.5 (MANE Select); coding-DNA position 930, T replaced by C.
Protein change: p.Asp310=; no amino-acid change (aspartic acid 310 retained).
Molecular consequence: synonymous variant. On other transcripts: intron variant (1).
Genome position (GRCh38, 1-based): chr11:86,268,525, T>C. VCF-style: chr11-86268525-T-C. GRCh37 (hg19) VCF-style: chr11-85979567-T-C.
Other names: c.930T>C, p.Asp310= (NM_001308007.2); c.726+4262T>C (NM_001330334.2).
Identifiers: ClinVar variation 1918020 (VCV001918020.29), dbSNP rs1466033926, ClinGen allele CA475910807.

ClinVar aggregate classification (germline): Likely benign. Review status: criteria provided, multiple submitters, no conflicts (2 of 4 stars). 2 submissions from 2 submitters: Likely benign (2). Last evaluated 2025-03-17.

Conditions:
Cohen-Gibson syndrome (COGIS). Also called: EED-Related Overgrowth. Identifiers: Orphanet 659396, MedGen C4479654, MONDO:0060510, OMIM 617561.

Allele frequency attached by ClinVar (database versions not stated): gnomAD exomes below 0.00001; gnomAD 0.00001; TOPMed 0.00001.
gnomAD v4.1: 9 of 1,611,398 alleles (0.00056%); highest among the groups gnomAD compares: Non-Finnish European, 0.00068%; no homozygotes.

Submissions (2):

Labcorp Genetics (formerly Invitae), Labcorp
Classification: Likely benign for Cohen-Gibson syndrome. Last evaluated: 2025-03-17. Review status: criteria provided, single submitter. Criteria: Invitae Variant Classification Sherloc (09022015). Collection method: clinical testing. Allele origin: germline.

CeGaT Center for Human Genetics Tuebingen
Classification: Likely benign. Last evaluated: 2022-03-01. Review status: criteria provided, single submitter. Criteria: CeGaT Center For Human Genetics Tuebingen Variant Classification Criteria Version 2. Collection method: clinical testing. Allele origin: germline. Affected: yes. Observed: 1 variant allele.
Comment: EED: BP4, BP7